The following is an entry in ClinVar:

ClinVar aggregate classification (germline): Uncertain significance (1 of 4 stars; one submission).

Submission:

Labcorp Genetics (formerly Invitae), Labcorp
Classification: Uncertain significance. Last evaluated: 2022-01-03. Review status: criteria provided, single submitter. Criteria: Invitae Variant Classification Sherloc (09022015). Collection method: clinical testing. Allele origin: germline.
Comment: In summary, the available evidence is currently insufficient to determine the role of this variant in disease. Therefore, it has been classified as a Variant of Uncertain Significance. Advanced modeling of protein sequence and biophysical properties (such as structural, functional, and spatial information, amino acid conservation, physicochemical variation, residue mobility, and thermodynamic stability) performed at Invitae indicates that this missense variant is not expected to disrupt FAT4 protein function. This variant has not been reported in the literature in individuals affected with FAT4-related conditions. This variant is not present in population databases (gnomAD no frequency). This sequence change replaces alanine, which is neutral and non-polar, with serine, which is neutral and polar, at codon 4206 of the FAT4 protein (p.Ala4206Ser).

NM_001291303.3(FAT4):c.12622G>T (p.Ala4208Ser)

Gene: FAT4 (FAT atypical cadherin 4; plus strand). Cytogenetic location: 4q28.1.
Variant type: single nucleotide variant.
Coding change: c.12622G>T on transcript NM_001291303.3 (MANE Select); coding-DNA position 12622, G replaced by T.
Protein change: p.Ala4208Ser; replaces alanine 4208 with serine.
Molecular consequence: missense variant.
Genome position (GRCh38, 1-based): chr4:125,481,538, G>T. VCF-style: chr4-125481538-G-T. GRCh37 (hg19) VCF-style: chr4-126402693-G-T.
Other names: c.12622G>T, p.Ala4208Ser (NM_001291285.3); c.12616G>T, p.Ala4206Ser (NM_024582.6); short protein forms A4206S, A4208S.
Identifiers: ClinVar variation 2176847 (VCV002176847.4), dbSNP rs2531021772, ClinGen allele CA358132432.